The following is an entry in ClinVar:

NM_005898.5(CAPRIN1):c.837del (p.Ala280fs)

Gene: CAPRIN1 (cell cycle associated protein 1; plus strand). Cytogenetic location: 11p13.
Variant type: Deletion.
Coding change: c.837del on transcript NM_005898.5 (MANE Select); coding-DNA position 837, one base deleted (A; older notation c.837delA).
Protein change: p.Ala280fs; shifts the reading frame from alanine 280.
Molecular consequence: frameshift variant.
Genome position (GRCh38, 1-based): chr11:34,082,835, A deleted. VCF-style (leftmost placement, unchanged base first): chr11-34082834-CA-C. GRCh37 (hg19) VCF-style: chr11-34104381-CA-C.
Other names: c.837del, p.Ala280fs (NM_203364.3); short protein forms A280fs.
Identifiers: ClinVar variation 4850120 (VCV004850120.1).

ClinVar aggregate classification (germline): Pathogenic (1 of 4 stars; one submission).

Conditions:
Neurodevelopmental disorder with language impairment, autism, and attention deficit-hyperactivity disorder. Identifiers: MedGen C5935603, MONDO:0968945, OMIM 620782.

Submission:

Variantyx, Inc.
Classification: Pathogenic for Neurodevelopmental disorder with language impairment, autism, and attention deficit-hyperactivity disorder. Last evaluated: 2025-09-08. Review status: criteria provided, single submitter. Criteria: Variantyx Assertion Criteria 2022. Collection method: clinical testing. Allele origin: de novo. Inheritance: Autosomal dominant inheritance. Affected: yes.
Comment: This is a frameshift variant in the CAPRIN1 gene (OMIM: 601178). Pathogenic variants in this gene have been associated with autosomal dominant neurodevelopmental disorder with language impairment, autism, and attention deficit-hyperactivity disorder. This variant introduces a premature termination codon in exon 9 out of 19 and is expected to result in loss of function, which is a known disease mechanism for CAPRIN1 in this disorder (PMID: 35979925) (PVS1). This variant is absent from control populations (PM2). Based on the current evidence, this variant is classified as pathogenic for autosomal dominant neurodevelopmental disorder with language impairment, autism, and attention deficit-hyperactivity disorder.

Literature cited by the submitters: PubMed 35979925.